The following is an entry in ClinVar:

ClinVar aggregate classification (germline): Uncertain significance (1 of 4 stars; one submission).

Conditions:
CHARGE syndrome (CHARGE). Also called: Hittner Hirsch Kreh syndrome; CHARGE ASSOCIATION--COLOBOMA, HEART ANOMALY, CHOANAL ATRESIA, RETARDATION, GENITAL AND EAR ANOMALIES; Coloboma, heart anomaly, choanal atresia, retardation, genital and ear anomalies; CHARGE association; Hall-Hittner syndrome. Identifiers: Orphanet 138, MedGen C0265354, MONDO:0008965.

gnomAD v4.1: 2 of 1,613,242 alleles (0.00012%); highest among the groups gnomAD compares: East Asian, 0.0022%; no homozygotes.

Submission:

Labcorp Genetics (formerly Invitae), Labcorp
Classification: Uncertain significance for CHARGE syndrome. Last evaluated: 2023-11-28. Review status: criteria provided, single submitter. Criteria: Invitae Variant Classification Sherloc (09022015). Collection method: clinical testing. Allele origin: germline.
Comment: This sequence change replaces alanine, which is neutral and non-polar, with glutamic acid, which is acidic and polar, at codon 609 of the SEMA3E protein (p.Ala609Glu). This variant is present in population databases (no rsID available, gnomAD 0.006%). This variant has not been reported in the literature in individuals affected with SEMA3E-related conditions. Advanced modeling of protein sequence and biophysical properties (such as structural, functional, and spatial information, amino acid conservation, physicochemical variation, residue mobility, and thermodynamic stability) performed at Invitae indicates that this missense variant is not expected to disrupt SEMA3E protein function with a negative predictive value of 80%. In summary, the available evidence is currently insufficient to determine the role of this variant in disease. Therefore, it has been classified as a Variant of Uncertain Significance.

NM_012431.3(SEMA3E):c.1826C>A (p.Ala609Glu)

Gene: SEMA3E (semaphorin 3E; minus strand). Cytogenetic location: 7q21.11.
Variant type: single nucleotide variant.
Coding change: c.1826C>A on transcript NM_012431.3 (MANE Select); coding-DNA position 1826, C replaced by A.
Protein change: p.Ala609Glu; replaces alanine 609 with glutamic acid.
Molecular consequence: missense variant.
Genome position (GRCh38, 1-based): chr7:83,385,343, G>T on the plus strand (C>A on the coding strand, the complement: SEMA3E is on the minus strand). VCF-style: chr7-83385343-G-T. GRCh37 (hg19) VCF-style: chr7-83014659-G-T.
Other names: c.1646C>A, p.Ala549Glu (NM_001178129.2); short protein forms A609E, A549E.
Identifiers: ClinVar variation 2917435 (VCV002917435.3), dbSNP rs778141353, ClinGen allele CA367921769.
Genomic context (GRCh38, chr7:83,385,343, plus strand): 5'-CTATGAATTACCTCCTCTTTTCTTGTCTCACGTCCTTTCTGTACAAACCAGATAACTTTC[G>T]CTTGTAAAGATCGTGGGGTACATTCCAGCAAAGTACTGTTGTTCTCTATGCCATAAGCCA-3'
Protein context (NP_036563.1, residues 599-619): LLECTPRSLQ[Ala609Glu]KVIWFVQKGR